The following is an entry in ClinVar:

NM_003105.6(SORL1):c.4813A>T (p.Thr1605Ser)

Gene: SORL1 (sortilin related receptor 1; plus strand). Cytogenetic location: 11q24.1.
Variant type: single nucleotide variant.
Coding change: c.4813A>T on transcript NM_003105.6 (MANE Select); coding-DNA position 4813, A replaced by T.
Protein change: p.Thr1605Ser; replaces threonine 1605 with serine.
Molecular consequence: missense variant.
Genome position (GRCh38, 1-based): chr11:121,605,436, A>T. VCF-style: chr11-121605436-A-T. GRCh37 (hg19) VCF-style: chr11-121476145-A-T.
Other names: short protein forms T1605S.
Identifiers: ClinVar variation 4799642 (VCV004799642.1).

ClinVar aggregate classification (germline): Uncertain significance (1 of 4 stars; one submission).

gnomAD v4.1: 7 of 1,613,634 alleles (0.00043%); highest among the groups gnomAD compares: Admixed American, 0.012%; 1 homozygote.

Submission:

Labcorp Genetics (formerly Invitae), Labcorp
Classification: Uncertain significance. Last evaluated: 2025-07-09. Review status: criteria provided, single submitter. Criteria: Invitae Variant Classification Sherloc (09022015). Collection method: clinical testing. Allele origin: germline.
Comment: This sequence change replaces threonine, which is neutral and polar, with serine, which is neutral and polar, at codon 1605 of the SORL1 protein (p.Thr1605Ser). This variant is present in population databases (no rsID available, gnomAD 0.006%). This variant has not been reported in the literature in individuals affected with SORL1-related conditions. An algorithm developed to predict the effect of missense changes on protein structure and function outputs the following: PolyPhen-2: "Possibly Damaging". The serine amino acid residue is found in multiple mammalian species, which suggests that this missense change does not adversely affect protein function. In summary, the available evidence is currently insufficient to determine the role of this variant in disease. Therefore, it has been classified as a Variant of Uncertain Significance.